The following is an entry in ClinVar:

NM_001123385.2(BCOR):c.831G>A (p.Pro277=)

Genes: BCOR (BCL6 corepressor; minus strand), LOC126863239 (MED14-independent group 3 enhancer GRCh37_chrX:39932994-39934193; plus strand). Cytogenetic location: Xp11.4.
Variant type: single nucleotide variant.
Coding change: c.831G>A on transcript NM_001123385.2 (MANE Select); coding-DNA position 831, G replaced by A.
Protein change: p.Pro277=; no amino-acid change (proline 277 retained).
Molecular consequence: synonymous variant.
Genome position (GRCh38, 1-based): chrX:40,074,515, C>T on the plus strand (G>A on the coding strand, the complement: BCOR is on the minus strand). VCF-style: chrX-40074515-C-T. GRCh37 (hg19) VCF-style: chrX-39933768-C-T.
Other names: c.831G>A, p.Pro277= (NM_001123383.2, NM_001123384.2, NM_017745.6).
Identifiers: ClinVar variation 2739856 (VCV002739856.4), dbSNP rs766706601, ClinGen allele CA10387006.

ClinVar aggregate classification (germline): Likely benign. Review status: criteria provided, multiple submitters, no conflicts (2 of 4 stars). 2 submissions from 2 submitters: Likely benign (2). Last evaluated 2026-09-01.

Conditions:
Oculofaciocardiodental syndrome (MCOPS2). Identifiers: Orphanet 2712, MedGen C1846265, MONDO:0010261, OMIM 300166.

Allele frequency attached by ClinVar (database versions not stated): gnomAD 0.00001; TOPMed 0.00001; ExAC 0.00007.
gnomAD v4.1: 16 of 1,205,438 alleles (0.0013%); highest among the groups gnomAD compares: Admixed American, 0.024%; no homozygotes.

Submissions (2):

CeGaT Center for Human Genetics Tuebingen
Classification: Likely benign. Last evaluated: 2026-09-01. Review status: criteria provided, single submitter. Criteria: CeGaT Center For Human Genetics Tuebingen Variant Classification Criteria Version 2. Collection method: clinical testing. Allele origin: germline. Affected: yes. Observed: 1 variant allele.
Comment: BCOR: BP4, BP7, BS2

Labcorp Genetics (formerly Invitae), Labcorp
Classification: Likely benign for Oculofaciocardiodental syndrome. Last evaluated: 2025-09-03. Review status: criteria provided, single submitter. Criteria: Invitae Variant Classification Sherloc (09022015). Collection method: clinical testing. Allele origin: germline.